The following is an entry in ClinVar:

ClinVar aggregate classification (germline): Pathogenic (0 of 4 stars; one submission).

Submission:

Quest Diagnostics Nichols Institute San Juan Capistrano
Classification: Pathogenic. Last evaluated: 2021-01-20. Review status: no assertion criteria provided. Collection method: clinical testing. Allele origin: germline.
Comment: The loss of 2p16.3 involves exons of the NRXN1 gene at the 5' region. This genomic loss may predispose to a wide spectrum of developmental disorders (Al Shehhi et al., Eur J Med Genet. 2018 Jul 18. Pii: S1769-7212(18)30079-X., PMID: 30031152; Ching et al., Am J Med Genet B Neuropsychiatr Genet. 2010 Jun 5;153B(4):937-47, PMID: 20468056). Most individuals with NRXN1 exonic deletions have developmental delay (particularly speech), abnormal behaviors, and mild dysmorphic features. In a cohort of over 20 individuals with NRXN1 exonic deletions, autism spectrum disorders were diagnosed in 43% (10/23), and 16% (4/25) had epilepsy (Dabell MP, et al., Am J Med Genet A. 2013 Apr;161A(4):717-31; PMID: 23495017). Data from a recent study evaluating NRXN1 deletions suggests partial deletions near the 5' end have a higher penetrance related to the expression of neurodevelopmental phenotypes compared to those at the 3' end (Lowther et al. Genet Med. 2017 Jan;19(1):53-61. PMID: 27195815).

GRCh37/hg19 2p16.3(chr2:50991242-51158769)x1

Gene: NRXN1 (neurexin 1; minus strand). Cytogenetic location: 2p16.3.
Variant type: copy number loss.
Change: copy number 1 (one copy instead of two) of chr2:50,991,242-51,158,769 (167.5 kb, GRCh37 coordinates, 1-based), cytogenetic band 2p16.3.
Identifiers: ClinVar variation 1339972 (VCV001339972.1).